The following is an entry in ClinVar:

NM_001163809.2(WDR81):c.1422T>C (p.His474=)

Gene: WDR81 (WD repeat domain 81; plus strand). Cytogenetic location: 17p13.3.
Variant type: single nucleotide variant.
Coding change: c.1422T>C on transcript NM_001163809.2 (MANE Select); coding-DNA position 1422, T replaced by C.
Protein change: p.His474=; no amino-acid change (histidine 474 retained).
Molecular consequence: synonymous variant. On other transcripts: intron variant (3).
Genome position (GRCh38, 1-based): chr17:1,726,381, T>C. VCF-style: chr17-1726381-T-C. GRCh37 (hg19) VCF-style: chr17-1629675-T-C.
Other names: c.-123-1609T>C (NM_152348.4); c.59-3999T>C (NM_001163673.2); c.-15+1595T>C (NM_001163811.2).
Identifiers: ClinVar variation 5041835 (VCV005041835.1).

ClinVar aggregate classification (germline): Likely benign (1 of 4 stars; one submission).

gnomAD v4.1: 2 of 1,549,876 alleles (0.00013%); highest among the groups gnomAD compares: South Asian, 0.0012%; no homozygotes.

Submission:

CeGaT Center for Human Genetics Tuebingen
Classification: Likely benign. Last evaluated: 2026-09-01. Review status: criteria provided, single submitter. Criteria: CeGaT Center For Human Genetics Tuebingen Variant Classification Criteria Version 2. Collection method: clinical testing. Allele origin: germline. Affected: yes. Observed: 1 variant allele.
Comment: WDR81: BP4, BP7